The following is an entry in ClinVar:

ClinVar aggregate classification (germline): Likely benign (1 of 4 stars; one submission).

gnomAD v4.1: 7 of 1,614,100 alleles (0.00043%); highest among the groups gnomAD compares: Non-Finnish European, 0.00059%; no homozygotes.

Submission:

CeGaT Center for Human Genetics Tuebingen
Classification: Likely benign. Last evaluated: 2026-07-01. Review status: criteria provided, single submitter. Criteria: CeGaT Center For Human Genetics Tuebingen Variant Classification Criteria Version 2. Collection method: clinical testing. Allele origin: germline. Affected: yes. Observed: 1 variant allele.
Comment: LRP6: BP4, BP7

NM_002336.3(LRP6):c.291C>G (p.Pro97=)

Gene: LRP6 (LDL receptor related protein 6; minus strand). Cytogenetic location: 12p13.2.
Variant type: single nucleotide variant.
Coding change: c.291C>G on transcript NM_002336.3 (MANE Select); coding-DNA position 291, C replaced by G.
Protein change: p.Pro97=; no amino-acid change (proline 97 retained).
Molecular consequence: synonymous variant. On other transcripts: 5 prime UTR variant (2), non-coding transcript variant (1), intron variant (1).
Genome position (GRCh38, 1-based): chr12:12,244,420, G>C on the plus strand (C>G on the coding strand, the complement: LRP6 is on the minus strand). VCF-style: chr12-12244420-G-C. GRCh37 (hg19) VCF-style: chr12-12397354-G-C.
Other names: c.291C>G, p.Pro97= (NM_001414244.1, NM_001414245.1, NM_001414246.1 and 6 more transcripts); c.-163C>G (NM_001414253.1); c.-159C>G (NM_001414254.1); c.-5+22261C>G (NM_001414252.1).
Identifiers: ClinVar variation 5038710 (VCV005038710.1).